The following is an entry in ClinVar:

NM_130384.3(ATRIP):c.1694T>G (p.Leu565Arg)

Genes: ATRIP (ATR interacting protein; plus strand), ATRIP-TREX1 (ATRIP-TREX1 readthrough; plus strand). Cytogenetic location: 3p21.31.
Variant type: single nucleotide variant.
Coding change: c.1694T>G on transcript NM_130384.3 (MANE Select); coding-DNA position 1694, T replaced by G.
Protein change: p.Leu565Arg; replaces leucine 565 with arginine.
Molecular consequence: missense variant. On other transcripts: non-coding transcript variant (1).
Genome position (GRCh38, 1-based): chr3:48,460,748, T>G. VCF-style: chr3-48460748-T-G. GRCh37 (hg19) VCF-style: chr3-48502147-T-G.
Other names: c.1313T>G, p.Leu438Arg (NM_001271022.2); c.1415T>G, p.Leu472Arg (NM_001271023.2); c.1694T>G, p.Leu565Arg (NM_032166.4); short protein forms L438R, L565R, L472R.
Identifiers: ClinVar variation 3977078 (VCV003977078.1).
Genomic context (GRCh38, chr3:48,460,748, plus strand): 5'-TGTTGGCTTTCTCTTCTGCAGCAACAGGTCACCTTCAAGCCAGTGTCCTGACCCAGTGCC[T>G]TAAGGTTTTGGTGAAATTAGCCGAAAACACTTCCTGTGATTTCTTGCCCAGGTATTAAGC-3'
Protein context (NP_569055.1, residues 555-575): HLQASVLTQC[Leu565Arg]KVLVKLAENT

ClinVar aggregate classification (germline): Uncertain significance (1 of 4 stars; one submission).

Submission:

Ambry Genetics
Classification: Uncertain significance. Last evaluated: 2025-06-07. Review status: criteria provided, single submitter. Criteria: Ambry Variant Classification Scheme 2023. Collection method: clinical testing. Allele origin: germline.
Comment: The p.L565R variant (also known as c.1694T>G), located in coding exon 8 of the ATRIP gene, results from a T to G substitution at nucleotide position 1694. The leucine at codon 565 is replaced by arginine, an amino acid with dissimilar properties. This amino acid position is conserved. In addition, this alteration is predicted to be deleterious by in silico analysis. Based on the available evidence, the clinical significance of this variant remains unclear.